The following is an entry in ClinVar:

NM_001540.5(HSPB1):c.429-7C>T

Gene: HSPB1 (heat shock protein family B (small) member 1; plus strand). Cytogenetic location: 7q11.23.
Variant type: single nucleotide variant.
Coding change: c.429-7C>T on transcript NM_001540.5 (MANE Select); 7 bases into the intron before coding-DNA position 429, C replaced by T.
Molecular consequence: intron variant.
Genome position (GRCh38, 1-based): chr7:76,303,977, C>T. VCF-style: chr7-76303977-C-T. GRCh37 (hg19) VCF-style: chr7-75933294-C-T.
Other names: c.429-7C>T (LRG_248t1).
Identifiers: ClinVar variation 533818 (VCV000533818.12), dbSNP rs375972376, ClinGen allele CA4306415.

ClinVar aggregate classification (germline): Likely benign. Review status: criteria provided, multiple submitters, no conflicts (2 of 4 stars). 2 submissions from 2 submitters: Likely benign (2). Last evaluated 2026-05-28.

Conditions:
Charcot-Marie-Tooth disease axonal type 2F (CMT2F). Also called: CHARCOT-MARIE-TOOTH DISEASE, NEURONAL, TYPE 2F; Charcot-Marie-Tooth Neuropathy Type 2F. Identifiers: Orphanet 99940, MedGen C1847823, MONDO:0011687, OMIM 606595.
HSPB1-related disorder. Also called: HSPB1-related disorders; HSPB1-related condition.

Allele frequency attached by ClinVar (database versions not stated): gnomAD 0.00001 and 0.00002; TOPMed 0.00004; ESP Exome Variant Server 0.00015.
gnomAD v4.1: 47 of 1,613,442 alleles (0.0029%); highest among the groups gnomAD compares: Non-Finnish European, 0.0037%; 1 homozygote.

Submissions (2):

PreventionGenetics, part of Exact Sciences
Classification: Likely benign for HSPB1-related condition. Last evaluated: 2026-05-28. Review status: criteria provided, single submitter. Criteria: ACMG Guidelines, 2015. Collection method: clinical testing. Allele origin: germline.
Comment: This variant is classified as likely benign based on ACMG/AMP sequence variant interpretation guidelines (Richards et al. 2015 PMID: 25741868, with internal and published modifications).

Labcorp Genetics (formerly Invitae), Labcorp
Classification: Likely benign for Charcot-Marie-Tooth disease axonal type 2F. Last evaluated: 2025-10-28. Review status: criteria provided, single submitter. Criteria: Invitae Variant Classification Sherloc (09022015). Collection method: clinical testing. Allele origin: germline.